The following is an entry in ClinVar:

NM_018297.4(NGLY1):c.1829C>T (p.Thr610Ile)

Gene: NGLY1 (N-glycanase 1; minus strand). Cytogenetic location: 3p24.2.
Variant type: single nucleotide variant.
Coding change: c.1829C>T on transcript NM_018297.4 (MANE Select); coding-DNA position 1829, C replaced by T.
Protein change: p.Thr610Ile; replaces threonine 610 with isoleucine.
Molecular consequence: missense variant. On other transcripts: synonymous variant (1).
Genome position (GRCh38, 1-based): chr3:25,719,596, G>A on the plus strand (C>T on the coding strand, the complement: NGLY1 is on the minus strand). VCF-style: chr3-25719596-G-A. GRCh37 (hg19) VCF-style: chr3-25761087-G-A.
Other names: c.1775C>T, p.Thr592Ile (NM_001145293.2); c.1703C>T, p.Thr568Ile (NM_001145294.2); c.1651C>T, p.Leu551= (NM_001145295.2); short protein forms T568I, T592I, T610I.
Identifiers: ClinVar variation 935449 (VCV000935449.6), dbSNP rs1156427347, ClinGen allele CA351893509.

ClinVar aggregate classification (germline): Uncertain significance (1 of 4 stars; one submission).

Conditions:
Congenital disorder of deglycosylation (CDDG). Identifiers: MedGen C3808991, MONDO:0031376.

Submission:

Labcorp Genetics (formerly Invitae), Labcorp
Classification: Uncertain significance for Congenital disorder of deglycosylation. Last evaluated: 2019-08-22. Review status: criteria provided, single submitter. Criteria: Invitae Variant Classification Sherloc (09022015). Collection method: clinical testing. Allele origin: germline.
Comment: In summary, the available evidence is currently insufficient to determine the role of this variant in disease. Therefore, it has been classified as a Variant of Uncertain Significance. This sequence change replaces threonine with isoleucine at codon 610 of the NGLY1 protein (p.Thr610Ile). The threonine residue is moderately conserved and there is a moderate physicochemical difference between threonine and isoleucine. This variant is not present in population databases (ExAC no frequency). This variant has not been reported in the literature in individuals with NGLY1-related conditions. Algorithms developed to predict the effect of missense changes on protein structure and function are either unavailable or do not agree on the potential impact of this missense change (SIFT: "Deleterious"; PolyPhen-2: "Benign"; Align-GVGD: "Class C0").